The following is an entry in ClinVar:

ClinVar aggregate classification (germline): Uncertain significance (1 of 4 stars; one submission).

Conditions:
Hereditary cancer-predisposing syndrome. Also called: Neoplastic Syndromes, Hereditary; Tumor predisposition; Hereditary neoplastic syndrome; Hereditary Cancer Syndrome. Identifiers: Orphanet 140162, MedGen C0027672, MeSH D009386, MONDO:0015356.

Submission:

Ambry Genetics
Classification: Uncertain significance for Hereditary cancer-predisposing syndrome. Last evaluated: 2023-01-18. Review status: criteria provided, single submitter. Criteria: Ambry Variant Classification Scheme 2023. Collection method: clinical testing. Allele origin: germline.
Comment: The p.F78V variant (also known as c.232T>G), located in coding exon 1 of the MEN1 gene, results from a T to G substitution at nucleotide position 232. The phenylalanine at codon 78 is replaced by valine, an amino acid with highly similar properties. This amino acid position is conserved. In addition, this alteration is predicted to be deleterious by in silico analysis. Since supporting evidence is limited at this time, the clinical significance of this alteration remains unclear.

NM_001370259.2(MEN1):c.232T>G (p.Phe78Val)

Gene: MEN1 (menin 1; minus strand). Cytogenetic location: 11q13.1.
Variant type: single nucleotide variant.
Coding change: c.232T>G on transcript NM_001370259.2 (MANE Select); coding-DNA position 232, T replaced by G.
Protein change: p.Phe78Val; replaces phenylalanine 78 with valine.
Molecular consequence: missense variant. On other transcripts: non-coding transcript variant (4).
Genome position (GRCh38, 1-based): chr11:64,809,878, A>C on the plus strand (T>G on the coding strand, the complement: MEN1 is on the minus strand). VCF-style: chr11-64809878-A-C. GRCh37 (hg19) VCF-style: chr11-64577350-A-C.
Other names: c.232T>G, p.Phe78Val (NM_000244.4, NM_001370251.2, NM_001370260.2 and 20 more transcripts); short protein forms F78V.
Identifiers: ClinVar variation 2450234 (VCV002450234.2), dbSNP rs2136188506, ClinGen allele CA381187596.